The following is an entry in ClinVar:

NM_001330311.2(DVL1):c.273G>A (p.Ala91=)

Gene: DVL1 (dishevelled segment polarity protein 1; minus strand). Cytogenetic location: 1p36.33.
Variant type: single nucleotide variant.
Coding change: c.273G>A on transcript NM_001330311.2 (MANE Select); coding-DNA position 273, G replaced by A.
Protein change: p.Ala91=; no amino-acid change (alanine 91 retained).
Molecular consequence: synonymous variant.
Genome position (GRCh38, 1-based): chr1:1,342,452, C>T on the plus strand (G>A on the coding strand, the complement: DVL1 is on the minus strand). VCF-style: chr1-1342452-C-T. GRCh37 (hg19) VCF-style: chr1-1277832-C-T.
Other names: c.273G>A, p.Ala91= (NM_004421.3).
Identifiers: ClinVar variation 1512191 (VCV001512191.6), dbSNP rs201640020, ClinGen allele CA520766.

ClinVar aggregate classification (germline): Uncertain significance (1 of 4 stars; one submission).

Allele frequency attached by ClinVar (database versions not stated): TOPMed 0.00001; gnomAD 0.00002 and 0.00003; 1000 Genomes Project 30x 0.00016; 1000 Genomes Project 0.00020.

Submission:

Labcorp Genetics (formerly Invitae), Labcorp
Classification: Uncertain significance. Last evaluated: 2021-09-10. Review status: criteria provided, single submitter. Criteria: Invitae Variant Classification Sherloc (09022015). Collection method: clinical testing. Allele origin: germline.
Comment: Algorithms developed to predict the effect of sequence changes on RNA splicing suggest that this variant may create or strengthen a splice site. This sequence change affects codon 91 of the DVL1 mRNA. It is a 'silent' change, meaning that it does not change the encoded amino acid sequence of the DVL1 protein. The frequency data for this variant in the population databases is considered unreliable, as metrics indicate poor data quality at this position in the ExAC database. This variant has not been reported in the literature in individuals affected with DVL1-related conditions. In summary, the available evidence is currently insufficient to determine the role of this variant in disease. Therefore, it has been classified as a Variant of Uncertain Significance.